The following is an entry in ClinVar:

ClinVar aggregate classification (germline): Benign/Likely benign. Review status: criteria provided, multiple submitters, no conflicts (2 of 4 stars). 5 submissions from 5 submitters: Benign (1); Likely benign (4). Last evaluated 2026-09-21.

Conditions:
Hereditary cancer-predisposing syndrome. Also called: Neoplastic Syndromes, Hereditary; Tumor predisposition; Hereditary Cancer Syndrome; Hereditary neoplastic syndrome. Identifiers: Orphanet 140162, MedGen C0027672, MeSH D009386, MONDO:0015356.
BAP1-related tumor predisposition syndrome (TPDS1). Also called: Tumor susceptibility linked to germline BAP1 mutations; BAP1 tumor predisposition syndrome; COMMON Syndrome; TUMOR PREDISPOSITION SYNDROME 1. Identifiers: Orphanet 289539, MedGen C3280492, MONDO:0013692, OMIM 614327.
BAP1-related disorder. Also called: BAP1-related condition.

gnomAD v4.1: 2 of 1,614,210 alleles (0.00012%); highest among the groups gnomAD compares: Non-Finnish European, 0.00017%; no homozygotes.

Submissions (5):

PreventionGenetics, part of Exact Sciences
Classification: Likely benign for BAP1-related condition. Last evaluated: 2026-09-21. Review status: criteria provided, single submitter. Criteria: ACMG Guidelines, 2015. Collection method: clinical testing. Allele origin: germline.
Comment: This variant is classified as likely benign based on ACMG/AMP sequence variant interpretation guidelines (Richards et al. 2015 PMID: 25741868, with internal and published modifications).

Labcorp Genetics (formerly Invitae), Labcorp
Classification: Likely benign for BAP1-related tumor predisposition syndrome. Last evaluated: 2025-11-05. Review status: criteria provided, single submitter. Criteria: Invitae Variant Classification Sherloc (09022015). Collection method: clinical testing. Allele origin: germline.

Myriad Genetics, Inc.
Classification: Benign for BAP1-related tumor predisposition syndrome. Last evaluated: 2024-07-15. Review status: criteria provided, single submitter. Criteria: Myriad Autosomal Dominant, Autosomal Recessive and X-Linked Classification Criteria (2023). Collection method: clinical testing. Allele origin: unknown.
Comment: This variant is considered benign. This variant is a silent/synonymous amino acid change and it is not expected to impact splicing.

Color Diagnostics, LLC DBA Color Health
Classification: Likely benign for Hereditary cancer-predisposing syndrome. Last evaluated: 2022-03-28. Review status: criteria provided, single submitter. Criteria: ACMG Guidelines, 2015. Collection method: clinical testing. Allele origin: germline.

Ambry Genetics
Classification: Likely benign for Hereditary cancer-predisposing syndrome. Last evaluated: 2020-03-17. Review status: criteria provided, single submitter. Criteria: Ambry Variant Classification Scheme 2023. Collection method: clinical testing. Allele origin: germline.

NM_004656.4(BAP1):c.762A>G (p.Thr254=)

Gene: BAP1 (BRCA1 associated deubiquitinase 1; minus strand). Cytogenetic location: 3p21.1.
Variant type: single nucleotide variant.
Coding change: c.762A>G on transcript NM_004656.4 (MANE Select); coding-DNA position 762, A replaced by G.
Protein change: p.Thr254=; no amino-acid change (threonine 254 retained).
Molecular consequence: synonymous variant.
Genome position (GRCh38, 1-based): chr3:52,406,274, T>C on the plus strand (A>G on the coding strand, the complement: BAP1 is on the minus strand). VCF-style: chr3-52406274-T-C. GRCh37 (hg19) VCF-style: chr3-52440290-T-C.
Identifiers: ClinVar variation 701131 (VCV000701131.16), dbSNP rs1578225015, ClinGen allele CA433776149.